The following is an entry in ClinVar:

ClinVar aggregate classification (germline): Pathogenic (1 of 4 stars; one submission).

Conditions:
Congenital muscular hypertrophy-cerebral syndrome (CDLS2). Also called: Cornelia de Lange syndrome 2; SMC1A-Related Cornelia de Lange Syndrome. Identifiers: Orphanet 199, MedGen C1802395, MONDO:0010370, OMIM 300590.

Submission:

Labcorp Genetics (formerly Invitae), Labcorp
Classification: Pathogenic for Congenital muscular hypertrophy-cerebral syndrome. Last evaluated: 2020-09-20. Review status: criteria provided, single submitter. Criteria: Invitae Variant Classification Sherloc (09022015). Collection method: clinical testing. Allele origin: germline.
Comment: Loss-of-function variants in SMC1A are known to be pathogenic (PMID: 26386245, 27334371, 28166369, 28548707, 31334757). For these reasons, this variant has been classified as Pathogenic. This variant has not been reported in the literature in individuals with SMC1A-related conditions. This variant is not present in population databases (ExAC no frequency). This sequence change creates a premature translational stop signal (p.Ser161Leufs*16) in the SMC1A gene. It is expected to result in an absent or disrupted protein product.

Literature cited by the submitters: PubMed 26386245; PubMed 27334371; PubMed 28166369; PubMed 28548707; PubMed 31334757.

NM_006306.4(SMC1A):c.481del (p.Ser161fs)

Gene: SMC1A (structural maintenance of chromosomes 1A; minus strand). Cytogenetic location: Xp11.22.
Variant type: Deletion.
Coding change: c.481del on transcript NM_006306.4 (MANE Select); coding-DNA position 481, one base deleted (T; older notation c.481delT).
Protein change: p.Ser161fs; shifts the reading frame from serine 161.
Molecular consequence: frameshift variant.
Genome position (GRCh38, 1-based): chrX:53,413,366, A deleted on the plus strand (T on the coding strand, the reverse complement: SMC1A is on the minus strand); the first of 2 consecutive A bases (chrX:53,413,366-53,413,367); deleting either gives the same sequence. VCF-style (leftmost placement, unchanged base first): chrX-53413365-GA-G. GRCh37 (hg19) VCF-style: chrX-53440315-GA-G.
Other names: c.415del, p.Ser139fs (NM_001281463.1); short protein forms S139fs, S161fs.
Identifiers: ClinVar variation 1075881 (VCV001075881.7), dbSNP rs2146605644, ClinGen allele CA2499226793.